The following is an entry in ClinVar:

NC_000005.9:g.(?_80057355)_(80109570_?)del

Gene: MSH3 (mutS homolog 3; plus strand). Cytogenetic location: 5q14.1.
Variant type: Deletion.
Identifiers: ClinVar variation 2424438 (VCV002424438.3).

ClinVar aggregate classification (germline): Uncertain significance (1 of 4 stars; one submission).

Submission:

Labcorp Genetics (formerly Invitae), Labcorp
Classification: Uncertain significance. Last evaluated: 2018-04-17. Review status: criteria provided, single submitter. Criteria: Invitae Variant Classification Sherloc (09022015). Collection method: clinical testing. Allele origin: germline.
Comment: This variant is an in-frame deletion of the genomic region encompassing exons 13-20 of the MSH3 gene. It preserves the integrity of the reading frame. This variant has not been reported in the literature in individuals with MSH3-related disease. Experimental studies and prediction algorithms are not available for this variant, and the functional significance of the deleted amino acids is currently unknown. In summary, the available evidence is currently insufficient to determine the role of this variant in disease. Therefore, it has been classified as a Variant of Uncertain Significance.